The following is an entry in ClinVar:

NM_001267550.2(TTN):c.87078G>A (p.Pro29026=)

Genes: TTN (titin; minus strand), TTN-AS1 (TTN antisense RNA 1; plus strand). Cytogenetic location: 2q31.2.
Variant type: single nucleotide variant.
Coding change: c.87078G>A on transcript NM_001267550.2 (MANE Select); coding-DNA position 87078, G replaced by A.
Protein change: p.Pro29026=; no amino-acid change (proline 29026 retained).
Molecular consequence: synonymous variant.
Genome position (GRCh38, 1-based): chr2:178,558,381, C>T on the plus strand (G>A on the coding strand, the complement: TTN is on the minus strand). VCF-style: chr2-178558381-C-T. GRCh37 (hg19) VCF-style: chr2-179423108-C-T.
Other names: c.82155G>A, p.Pro27385= (NM_001256850.1); c.59883G>A, p.Pro19961= (NM_003319.4); c.79374G>A, p.Pro26458= (NM_133378.4); c.60258G>A, p.Pro20086= (NM_133432.3); c.60459G>A, p.Pro20153= (NM_133437.4).
Identifiers: ClinVar variation 1085469 (VCV001085469.11), dbSNP rs772691207, ClinGen allele CA430247561.

ClinVar aggregate classification (germline): Likely benign. Review status: criteria provided, multiple submitters, no conflicts (2 of 4 stars). 3 submissions from 3 submitters: Likely benign (3). Last evaluated 2026-01-31.

Conditions:
Dilated cardiomyopathy 1G (CMD1G). Identifiers: Orphanet 154, MedGen C1858763, MONDO:0011400, OMIM 604145.
Autosomal recessive limb-girdle muscular dystrophy type 2J (LGMDR10). Also called: Limb-girdle muscular dystrophy, type 2J; MUSCULAR DYSTROPHY, LIMB-GIRDLE, AUTOSOMAL RECESSIVE 10. Identifiers: Orphanet 140922, MedGen C1837342, MONDO:0012127, OMIM 608807.
TTN-related disorder. Also called: TTN-related disorders; TTN-related condition; TTN-related disease.
Cardiovascular phenotype. Identifiers: MedGen CN230736.

Allele frequency attached by ClinVar (database versions not stated): gnomAD 0.00001; TOPMed 0.00001.
gnomAD v4.1: 9 of 1,613,478 alleles (0.00056%); highest among the groups gnomAD compares: East Asian, 0.0022%; no homozygotes.

Submissions (3):

Labcorp Genetics (formerly Invitae), Labcorp
Classification: Likely benign for Dilated cardiomyopathy 1G; Autosomal recessive limb-girdle muscular dystrophy type 2J. Last evaluated: 2026-01-31. Review status: criteria provided, single submitter. Criteria: Invitae Variant Classification Sherloc (09022015). Collection method: clinical testing. Allele origin: germline.

PreventionGenetics, part of Exact Sciences
Classification: Likely benign for TTN-related condition. Last evaluated: 2025-11-27. Review status: criteria provided, single submitter. Criteria: ACMG Guidelines, 2015. Collection method: clinical testing. Allele origin: germline.
Comment: This variant is classified as likely benign based on ACMG/AMP sequence variant interpretation guidelines (Richards et al. 2015 PMID: 25741868, with internal and published modifications).

Ambry Genetics
Classification: Likely benign for Cardiovascular phenotype. Last evaluated: 2024-06-03. Review status: criteria provided, single submitter. Criteria: Ambry Variant Classification Scheme 2023. Collection method: clinical testing. Allele origin: germline.